The following is an entry in ClinVar:

NM_020919.4(ALS2):c.1816A>T (p.Ile606Leu)

Gene: ALS2 (alsin Rho guanine nucleotide exchange factor ALS2; minus strand). Cytogenetic location: 2q33.1.
Variant type: single nucleotide variant.
Coding change: c.1816A>T on transcript NM_020919.4 (MANE Select); coding-DNA position 1816, A replaced by T.
Protein change: p.Ile606Leu; replaces isoleucine 606 with leucine.
Molecular consequence: missense variant.
Genome position (GRCh38, 1-based): chr2:201,746,748, T>A on the plus strand (A>T on the coding strand, the complement: ALS2 is on the minus strand). VCF-style: chr2-201746748-T-A. GRCh37 (hg19) VCF-style: chr2-202611471-T-A.
Other names: c.1816A>T (NM_020919.3); short protein forms I606L.
Identifiers: ClinVar variation 1007258 (VCV001007258.7), dbSNP rs977136303, ClinGen allele CA63960316.

ClinVar aggregate classification (germline): Uncertain significance. Review status: criteria provided, multiple submitters, no conflicts (2 of 4 stars). 2 submissions from 2 submitters: Uncertain significance (2). Last evaluated 2025-12-15.

Conditions:
Inborn genetic diseases. Identifiers: MedGen C0950123, MeSH D030342.
Infantile-onset ascending hereditary spastic paralysis (IAHSP). Also called: Infantile-Onset Ascending Hereditary Spastic Paralysis (IAHSP); Autosomal Recessive Juvenile Amyotrophic Lateral Sclerosis. Identifiers: Orphanet 293168, MedGen C2931441, MONDO:0011797, OMIM 607225. Disease mechanism: loss of function.

Allele frequency attached by ClinVar (database versions not stated): gnomAD exomes below 0.00001; gnomAD 0.00001; TOPMed 0.00003.
gnomAD v4.1: 3 of 1,613,994 alleles (0.00019%); highest among the groups gnomAD compares: Non-Finnish European, 0.00025%; no homozygotes.

Submissions (2):

Ambry Genetics
Classification: Uncertain significance for Inborn genetic diseases. Last evaluated: 2025-12-15. Review status: criteria provided, single submitter. Criteria: Ambry Variant Classification Scheme 2023. Collection method: clinical testing. Allele origin: germline.

Labcorp Genetics (formerly Invitae), Labcorp
Classification: Uncertain significance for Infantile-onset ascending hereditary spastic paralysis. Last evaluated: 2021-08-24. Review status: criteria provided, single submitter. Criteria: Invitae Variant Classification Sherloc (09022015). Collection method: clinical testing. Allele origin: germline.
Comment: This sequence change replaces isoleucine with leucine at codon 606 of the ALS2 protein (p.Ile606Leu). The isoleucine residue is weakly conserved and there is a small physicochemical difference between isoleucine and leucine. This variant is not present in population databases (ExAC no frequency). This variant has not been reported in the literature in individuals affected with ALS2-related conditions. Algorithms developed to predict the effect of missense changes on protein structure and function (SIFT, PolyPhen-2, Align-GVGD) all suggest that this variant is likely to be tolerated. Algorithms developed to predict the effect of sequence changes on RNA splicing suggest that this variant may disrupt the consensus splice site. In summary, the available evidence is currently insufficient to determine the role of this variant in disease. Therefore, it has been classified as a Variant of Uncertain Significance.